The following is an entry in ClinVar:

NM_007194.4(CHEK2):c.1462G>C (p.Asp488His)

Gene: CHEK2 (checkpoint kinase 2; minus strand). Cytogenetic location: 22q12.1.
Variant type: single nucleotide variant.
Coding change: c.1462G>C on transcript NM_007194.4 (MANE Select); coding-DNA position 1462, G replaced by C.
Protein change: p.Asp488His; replaces aspartic acid 488 with histidine.
Molecular consequence: missense variant.
Genome position (GRCh38, 1-based): chr22:28,689,215, C>G on the plus strand (G>C on the coding strand, the complement: CHEK2 is on the minus strand). VCF-style: chr22-28689215-C-G. GRCh37 (hg19) VCF-style: chr22-29085203-C-G.
Other names: c.1591G>C, p.Asp531His (NM_001005735.3); c.799G>C, p.Asp267His (NM_001257387.3); c.1261G>C, p.Asp421His (NM_001349956.3); c.1375G>C, p.Asp459His (NM_145862.3); short protein forms D267H, D421H, D459H, D488H, D531H.
Identifiers: ClinVar variation 1380132 (VCV001380132.7), dbSNP rs886041173, ClinGen allele CA411092771.
Genomic context (GRCh38, chr22:28,689,215, plus strand): 5'-GAGCTGTGGATTCATTTTCCTCAGACAGAAGATCTTGAAACTTTCTCTTCATGTCTTCAT[C>G]CTGTGAGGGAATTAAAAACATAAGTAGCTGTGTCTGAAGGATAATAAACTCCTAGAATGA-3'
Protein context (NP_009125.1, residues 478-498): EEALRHPWLQ[Asp488His]EDMKRKFQDL

ClinVar aggregate classification (germline): Uncertain significance (1 of 4 stars; one submission).

Conditions:
Familial cancer of breast. Also called: Hereditary breast cancer; BREAST CANCER, FAMILIAL; hereditary breast carcinoma. Identifiers: Orphanet 227535, MedGen C0346153, MONDO:0016419, OMIM 114480. Disease mechanism: loss of function.

Submission:

Labcorp Genetics (formerly Invitae), Labcorp
Classification: Uncertain significance for Familial cancer of breast. Last evaluated: 2021-09-08. Review status: criteria provided, single submitter. Criteria: Invitae Variant Classification Sherloc (09022015). Collection method: clinical testing. Allele origin: germline.
Comment: This sequence change replaces aspartic acid with histidine at codon 488 of the CHEK2 protein (p.Asp488His). The aspartic acid residue is highly conserved and there is a moderate physicochemical difference between aspartic acid and histidine. In summary, the available evidence is currently insufficient to determine the role of this variant in disease. Therefore, it has been classified as a Variant of Uncertain Significance. Algorithms developed to predict the effect of sequence changes on RNA splicing suggest that this variant may disrupt the consensus splice site. Algorithms developed to predict the effect of missense changes on protein structure and function are either unavailable or do not agree on the potential impact of this missense change (SIFT: "Deleterious"; PolyPhen-2: "Probably Damaging"; Align-GVGD: "Class C0"). This variant has not been reported in the literature in individuals affected with CHEK2-related conditions. This variant is not present in population databases (ExAC no frequency).